The following is an entry in ClinVar:

NM_007255.3(B4GALT7):c.487G>A (p.Asp163Asn)

Gene: B4GALT7 (beta-1,4-galactosyltransferase 7; plus strand). Cytogenetic location: 5q35.3.
Variant type: single nucleotide variant.
Coding change: c.487G>A on transcript NM_007255.3 (MANE Select); coding-DNA position 487, G replaced by A.
Protein change: p.Asp163Asn; replaces aspartic acid 163 with asparagine.
Molecular consequence: missense variant.
Genome position (GRCh38, 1-based): chr5:177,607,375, G>A. VCF-style: chr5-177607375-G-A. GRCh37 (hg19) VCF-style: chr5-177034376-G-A.
Other names: short protein forms D163N.
Identifiers: ClinVar variation 1500811 (VCV001500811.34), dbSNP rs542850594, ClinGen allele CA3586512.
Genomic context (GRCh38, chr5:177,607,375, plus strand): 5'-GCGCTCATCAACGTGGGCTTCCTGGAGAGCAGCAACAGCACGGACTACATTGCCATGCAC[G>A]ACGTTGACCTGCTCCCTCTCAACGAGGAGCTGGACTATGGCTTTCCTGAGGCTGGGCCCT-3'
Protein context (NP_009186.1, residues 153-173): SNSTDYIAMH[Asp163Asn]VDLLPLNEEL

ClinVar aggregate classification (germline): Uncertain significance. Review status: criteria provided, multiple submitters, no conflicts (2 of 4 stars). 2 submissions from 2 submitters: Uncertain significance (2). Last evaluated 2022-10-01.

Conditions:
Spondylodysplastic Ehlers-Danlos syndrome. Identifiers: Orphanet 536471, Orphanet 75496, MedGen C5680154, MONDO:0007526.

Allele frequency attached by ClinVar (database versions not stated): gnomAD exomes below 0.00001; ExAC 0.00001; gnomAD 0.00001.
gnomAD v4.1: 7 of 1,613,978 alleles (0.00043%); highest among the groups gnomAD compares: Admixed American, 0.0017%; no homozygotes.

Submissions (2):

CeGaT Center for Human Genetics Tuebingen
Classification: Uncertain significance. Last evaluated: 2022-10-01. Review status: criteria provided, single submitter. Criteria: CeGaT Center For Human Genetics Tuebingen Variant Classification Criteria Version 2. Collection method: clinical testing. Allele origin: germline. Affected: yes. Observed: 1 variant allele.
Comment: B4GALT7: PM2

Labcorp Genetics (formerly Invitae), Labcorp
Classification: Uncertain significance for Spondylodysplastic Ehlers-Danlos syndrome. Last evaluated: 2022-07-03. Review status: criteria provided, single submitter. Criteria: Invitae Variant Classification Sherloc (09022015). Collection method: clinical testing. Allele origin: germline.
Comment: This sequence change replaces aspartic acid, which is acidic and polar, with asparagine, which is neutral and polar, at codon 163 of the B4GALT7 protein (p.Asp163Asn). In summary, the available evidence is currently insufficient to determine the role of this variant in disease. Therefore, it has been classified as a Variant of Uncertain Significance. Algorithms developed to predict the effect of missense changes on protein structure and function are either unavailable or do not agree on the potential impact of this missense change (SIFT: "Deleterious"; PolyPhen-2: "Probably Damaging"; Align-GVGD: "Class C0"). ClinVar contains an entry for this variant (Variation ID: 1500811). This variant has not been reported in the literature in individuals affected with B4GALT7-related conditions. This variant is present in population databases (rs542850594, gnomAD 0.0009%).